The following is an entry in ClinVar:

ClinVar aggregate classification (germline): Likely pathogenic (1 of 4 stars; one submission).

Submission:

CeGaT Center for Human Genetics Tuebingen
Classification: Likely pathogenic. Last evaluated: 2023-11-01. Review status: criteria provided, single submitter. Criteria: CeGaT Center For Human Genetics Tuebingen Variant Classification Criteria Version 2. Collection method: clinical testing. Allele origin: germline. Affected: yes. Observed: 2 variant alleles.
Comment: SH2D1A: PP4:Strong, PM2, PP3

NM_002351.5(SH2D1A):c.202-8T>G

Gene: SH2D1A (SH2 domain containing 1A; plus strand). Cytogenetic location: Xq25.
Variant type: single nucleotide variant.
Coding change: c.202-8T>G on transcript NM_002351.5 (MANE Select); 8 bases into the intron before coding-DNA position 202, T replaced by G.
Molecular consequence: intron variant.
Genome position (GRCh38, 1-based): chrX:124,370,168, T>G. VCF-style: chrX-124370168-T-G. GRCh37 (hg19) VCF-style: chrX-123504018-T-G.
Other names: c.202-8T>G (NM_001114937.3).
Identifiers: ClinVar variation 2571380 (VCV002571380.27), dbSNP rs2522818944, ClinGen allele CA2580612480.
Genomic context (GRCh38, chrX:124,370,168, plus strand): 5'-ACATTTTGTAGGTCTTTTTGTATCATTATGAGATAGGTAAATAATTTGCTTGGCCTTTTA[T>G]TTTCCAGACAGCACCTGGGGTACATAAAAGATATTTCCGGAAAATAAAAAATCTCATTTC-3'